The following is an entry in ClinVar:

NM_001366385.1(CARD14):c.659G>A (p.Arg220His)

Gene: CARD14 (caspase recruitment domain family member 14; plus strand). Cytogenetic location: 17q25.3.
Variant type: single nucleotide variant.
Coding change: c.659G>A on transcript NM_001366385.1 (MANE Select); coding-DNA position 659, G replaced by A.
Protein change: p.Arg220His; replaces arginine 220 with histidine.
Molecular consequence: missense variant. On other transcripts: non-coding transcript variant (1).
Genome position (GRCh38, 1-based): chr17:80,184,222, G>A. VCF-style: chr17-80184222-G-A. GRCh37 (hg19) VCF-style: chr17-78158021-G-A.
Other names: c.659G>A, p.Arg220His (NM_001257970.1, NM_024110.4); short protein forms R220H.
Identifiers: ClinVar variation 955063 (VCV000955063.9), dbSNP rs888223090, ClinGen allele CA294858444.

ClinVar aggregate classification (germline): Uncertain significance. Review status: criteria provided, multiple submitters, no conflicts (2 of 4 stars). 2 submissions from 2 submitters: Uncertain significance (2). Last evaluated 2024-06-19.

Conditions:
Pityriasis rubra pilaris (PRP). Also called: Pityriasis rubra pilaris--familial type. Identifiers: Orphanet 2897, MedGen C0032027, MONDO:0100017, OMIM 173200, MONDO:0008251.
Psoriasis 2. Identifiers: MedGen C1864497, MONDO:0011269, OMIM 602723.

Allele frequency attached by ClinVar (database versions not stated): TOPMed 0.00004; 1000 Genomes Project 30x 0.00016.
gnomAD v4.1: 57 of 1,534,348 alleles (0.0037%); highest among the groups gnomAD compares: East Asian, 0.0048%; no homozygotes.

Submissions (2):

Blueprint Genetics
Classification: Uncertain significance. Last evaluated: 2024-06-19. Review status: criteria provided, single submitter. Criteria: ACMG Guidelines, 2015. Collection method: clinical testing. Allele origin: germline.

Labcorp Genetics (formerly Invitae), Labcorp
Classification: Uncertain significance for Pityriasis rubra pilaris; Psoriasis 2. Last evaluated: 2024-05-31. Review status: criteria provided, single submitter. Criteria: Invitae Variant Classification Sherloc (09022015). Collection method: clinical testing. Allele origin: germline.
Comment: This sequence change replaces arginine, which is basic and polar, with histidine, which is basic and polar, at codon 220 of the CARD14 protein (p.Arg220His). The frequency data for this variant in the population databases is considered unreliable, as metrics indicate poor data quality at this position in the gnomAD database. This variant has not been reported in the literature in individuals affected with CARD14-related conditions. ClinVar contains an entry for this variant (Variation ID: 955063). Advanced modeling of protein sequence and biophysical properties (such as structural, functional, and spatial information, amino acid conservation, physicochemical variation, residue mobility, and thermodynamic stability) performed at Invitae indicates that this missense variant is not expected to disrupt CARD14 protein function with a negative predictive value of 80%. In summary, the available evidence is currently insufficient to determine the role of this variant in disease. Therefore, it has been classified as a Variant of Uncertain Significance.